The following is an entry in ClinVar:

NM_001374353.1(GLI2):c.2007G>A (p.Thr669=)

Gene: GLI2 (GLI family zinc finger 2; plus strand). Cytogenetic location: 2q14.2.
Variant type: single nucleotide variant.
Coding change: c.2007G>A on transcript NM_001374353.1 (MANE Select); coding-DNA position 2007, G replaced by A.
Protein change: p.Thr669=; no amino-acid change (threonine 669 retained).
Molecular consequence: synonymous variant.
Genome position (GRCh38, 1-based): chr2:120,986,379, G>A. VCF-style: chr2-120986379-G-A. GRCh37 (hg19) VCF-style: chr2-121743955-G-A.
Other names: c.2058G>A, p.Thr686= (NM_001371271.1, NM_005270.5); c.1632G>A, p.Thr544= (NM_001374354.1).
Identifiers: ClinVar variation 778727 (VCV000778727.9), dbSNP rs138592005, ClinGen allele CA1852110.

ClinVar aggregate classification (germline): Likely benign. Review status: criteria provided, single submitter (1 of 4 stars). 2 submissions from 2 submitters: Likely benign (1). 1 of the submissions does not count toward it. Last evaluated 2023-03-31.

Conditions:
GLI2-related disorder. Also called: GLI2-related disorders; GLI2-related condition.
Postaxial polydactyly-anterior pituitary anomalies-facial dysmorphism syndrome. Also called: Culler-Jones syndrome. Identifiers: Orphanet 420584, MedGen C4014479, MONDO:0014369, OMIM 615849.
Holoprosencephaly 9 (HPE9). Also called: HOLOPROSENCEPHALY WITH MICROPHTHALMIA AND FIRST BRANCHIAL ARCH ANOMALIES; PITUITARY ANOMALIES WITH HOLOPROSENCEPHALY-LIKE FEATURES. Identifiers: Orphanet 2162, MedGen C1835819, MONDO:0012563, OMIM 610829.

Allele frequency attached by ClinVar (database versions not stated): ESP Exome Variant Server 0.00015; gnomAD 0.00020 and 0.00021; TOPMed 0.00023.
gnomAD v4.1: 406 of 1,613,482 alleles (0.025%); highest among the groups gnomAD compares: Non-Finnish European, 0.031%; no homozygotes.

Submissions (2):

Labcorp Genetics (formerly Invitae), Labcorp
Classification: Likely benign for Postaxial polydactyly-anterior pituitary anomalies-facial dysmorphism syndrome; Holoprosencephaly 9. Last evaluated: 2023-03-31. Review status: criteria provided, single submitter. Criteria: Invitae Variant Classification Sherloc (09022015). Collection method: clinical testing. Allele origin: germline.

PreventionGenetics, part of Exact Sciences
Classification: Likely benign for GLI2-related condition. Last evaluated: 2023-07-13. Review status: no assertion criteria provided. Collection method: clinical testing. Allele origin: germline. Not counted in ClinVar's aggregate classification.
Comment: This variant is classified as likely benign based on ACMG/AMP sequence variant interpretation guidelines (Richards et al. 2015 PMID: 25741868, with internal and published modifications).